The following is an entry in ClinVar:

ClinVar aggregate classification (germline): Conflicting classifications of pathogenicity. Review status: criteria provided, conflicting classifications (1 of 4 stars). 3 submissions from 3 submitters: Pathogenic (1); Uncertain significance (2). Last evaluated 2025-02-20.

Conditions:
Hereditary orotic aciduria, type 1. Also called: Orotic aciduria type 1; Oroticaciduria 1. Identifiers: MedGen C0268130.
Oroticaciduria. Also called: Orotic aciduria. Identifiers: Orphanet 30, MedGen C0268128, HP:0003218.

Allele frequency attached by ClinVar (database versions not stated): gnomAD exomes 0.00001; ExAC 0.00001; gnomAD 0.00001; TOPMed 0.00001.

Submissions (3):

Dasa
Classification: Uncertain significance. Last evaluated: 2025-02-20. Review status: criteria provided, single submitter. Criteria: DASA Assertion Criteria. Collection method: clinical testing. Allele origin: germline.
Comment: NM_000373.4(UMPS):c.1213C>T (p.Arg405*) is a nonsense variant in UMPS predicted to introduce a premature termination codon and is predicted to result in an absent or altered protein product. This variant is rare in population databases. The currently available literature and clinical evidence are not sufficient to establish a definitive association between this variant and the reported condition. Therefore, this variant is classified as a variant of uncertain significance.

Labcorp Genetics (formerly Invitae), Labcorp
Classification: Uncertain significance for Hereditary orotic aciduria, type 1. Last evaluated: 2023-03-08. Review status: criteria provided, single submitter. Criteria: Invitae Variant Classification Sherloc (09022015). Collection method: clinical testing. Allele origin: germline.
Comment: In summary, the available evidence is currently insufficient to determine the role of this variant in disease. Therefore, it has been classified as a Variant of Uncertain Significance. This variant has not been reported in the literature in individuals affected with UMPS-related conditions. This variant is present in population databases (rs199644027, gnomAD 0.005%). This sequence change creates a premature translational stop signal (p.Arg405*) in the UMPS gene. It is expected to result in an absent or disrupted protein product. However, the current clinical and genetic evidence is not sufficient to establish whether loss-of-function variants in UMPS cause disease.

3billion
Classification: Pathogenic for Hereditary orotic aciduria. Review status: criteria provided, single submitter. Criteria: ACMG Guidelines, 2015. Collection method: clinical testing. Allele origin: unknown. Affected: yes. Observed: 2 variant alleles, 2 heterozygotes. Clinical features observed: Spastic diplegia (HP:0001264), Oroticaciduria (HP:0003218), Tip-toe gait (HP:0030051), Abnormal cerebral white matter morphology (HP:0002500), Epileptic encephalopathy (HP:0200134), Seizure (HP:0001250), Global developmental delay (HP:0001263), Hirsutism (HP:0001007), Generalized hypotonia (HP:0001290), Low-set ears (HP:0000369), Abnormal eyebrow morphology (HP:0000534).
Comment: The variant is observed at an extremely low frequency in the gnomAD v2.1.1 dataset (total allele frequency: <0.001%). The variant is predicted to result in a loss or disruption of normal protein function through nonsense-mediated decay (NMD) or protein truncation. Therefore, this variant is classified as Likely pathogenic according to the recommendation of ACMG/AMP guideline.

NM_000373.4(UMPS):c.1213C>T (p.Arg405Ter)

Gene: UMPS (uridine monophosphate synthetase; plus strand). Cytogenetic location: 3q21.2.
Variant type: single nucleotide variant.
Coding change: c.1213C>T on transcript NM_000373.4 (MANE Select); coding-DNA position 1213, C replaced by T.
Protein change: p.Arg405Ter; replaces arginine 405 with a stop codon.
Molecular consequence: nonsense. On other transcripts: non-coding transcript variant (2).
Genome position (GRCh38, 1-based): chr3:124,742,206, C>T. VCF-style: chr3-124742206-C-T. GRCh37 (hg19) VCF-style: chr3-124461053-C-T.
Other names: short protein forms R405*.
Identifiers: ClinVar variation 2572440 (VCV002572440.6), dbSNP rs199644027, ClinGen allele CA2581837.